The following is an entry in ClinVar:

NM_000264.5(PTCH1):c.649G>A (p.Asp217Asn)

Gene: PTCH1 (patched 1; minus strand). Cytogenetic location: 9q22.32.
Variant type: single nucleotide variant.
Coding change: c.649G>A on transcript NM_000264.5 (MANE Select); coding-DNA position 649, G replaced by A.
Protein change: p.Asp217Asn; replaces aspartic acid 217 with asparagine.
Molecular consequence: missense variant. On other transcripts: non-coding transcript variant (1).
Genome position (GRCh38, 1-based): chr9:95,482,139, C>T on the plus strand (G>A on the coding strand, the complement: PTCH1 is on the minus strand). VCF-style: chr9-95482139-C-T. GRCh37 (hg19) VCF-style: chr9-98244421-C-T.
Other names: p.Asp217Asn; c.451G>A, p.Asp151Asn (NM_001083602.3, NM_001354919.2); c.646G>A, p.Asp216Asn (NM_001083603.3); c.196G>A, p.Asp66Asn (NM_001083604.3, NM_001083605.3, NM_001083606.3 and 1 more transcripts); c.649G>A, p.Asp217Asn (NM_001354918.2); short protein forms D216N, D217N, D66N, D151N.
Identifiers: ClinVar variation 826445 (VCV000826445.15), dbSNP rs780378700, ClinGen allele CA5138889.
Genomic context (GRCh38, chr9:95,482,139, plus strand): 5'-AGGCACACTACTGGGGTGTTCCTGAGAAATTTTTGCCAACAAGAAGAAAATATACCTGAT[C>T]CATGTAACCTGTTTCTGTGATAAGCTCTCCTGATTTGTAACACAAATGTTCCAATTTCCA-3'
Protein context (NP_000255.2, residues 207-227): GELITETGYM[Asp217Asn]QIIEYLYPCL

ClinVar aggregate classification (germline): Conflicting classifications of pathogenicity. Review status: criteria provided, conflicting classifications (1 of 4 stars). 3 submissions from 3 submitters: Uncertain significance (1); Likely benign (2). Last evaluated 2025-11-03.

Conditions:
Hereditary cancer-predisposing syndrome. Also called: Neoplastic Syndromes, Hereditary; Hereditary Cancer Syndrome; Hereditary neoplastic syndrome; Tumor predisposition. Identifiers: Orphanet 140162, MedGen C0027672, MeSH D009386, MONDO:0015356.
Gorlin syndrome. Also called: Nevoid Basal Cell Carcinoma Syndrome; Basal cell nevus syndrome. Identifiers: Orphanet 377, MedGen C0004779, MONDO:0007187.

Allele frequency attached by ClinVar (database versions not stated): TOPMed below 0.00001; ExAC 0.00001; gnomAD 0.00001.

Submissions (3):

Labcorp Genetics (formerly Invitae), Labcorp
Classification: Likely benign for Gorlin syndrome. Last evaluated: 2025-11-03. Review status: criteria provided, single submitter. Criteria: Invitae Variant Classification Sherloc (09022015). Collection method: clinical testing. Allele origin: germline.

Mayo Clinic Laboratories, Mayo Clinic
Classification: Uncertain significance. Last evaluated: 2024-10-04. Review status: criteria provided, single submitter. Criteria: ACMG Guidelines, 2015. Collection method: clinical testing. Allele origin: germline. Observed: 1 variant allele.
Comment: PM2_supporting

Ambry Genetics
Classification: Likely benign for Hereditary cancer-predisposing syndrome. Last evaluated: 2023-04-20. Review status: criteria provided, single submitter. Criteria: Ambry Variant Classification Scheme 2023. Collection method: clinical testing. Allele origin: germline.